The following is an entry in ClinVar:

NM_004656.4(BAP1):c.1890+11G>C

Gene: BAP1 (BRCA1 associated deubiquitinase 1; minus strand). Cytogenetic location: 3p21.1.
Variant type: single nucleotide variant.
Coding change: c.1890+11G>C on transcript NM_004656.4 (MANE Select); 11 bases into the intron after coding-DNA position 1890, G replaced by C.
Molecular consequence: intron variant.
Genome position (GRCh38, 1-based): chr3:52,403,127, C>G on the plus strand (G>C on the coding strand, the complement: BAP1 is on the minus strand). VCF-style: chr3-52403127-C-G. GRCh37 (hg19) VCF-style: chr3-52437143-C-G.
Identifiers: ClinVar variation 390384 (VCV000390384.14), dbSNP rs537090290, ClinGen allele CA2436693.
Genomic context (GRCh38, chr3:52,403,127, plus strand): 5'-CACCTGGGCAGGAGGAGCTCAGGCCTTACCCTCTGCCAGGATTAAAGGAGAAAACCACAA[C>G]GGAGGCTCACCTTGGGTGAGTATTTCTCCCCACTCAAGGGCTCGCCAGGCCTCACCATCC-3'

ClinVar aggregate classification (germline): Likely benign. Review status: criteria provided, multiple submitters, no conflicts (2 of 4 stars). 3 submissions from 3 submitters: Likely benign (3). Last evaluated 2025-09-28.

Conditions:
Hereditary cancer-predisposing syndrome. Also called: Hereditary Cancer Syndrome; Hereditary neoplastic syndrome; Neoplastic Syndromes, Hereditary; Tumor predisposition. Identifiers: Orphanet 140162, MedGen C0027672, MeSH D009386, MONDO:0015356.
BAP1-related tumor predisposition syndrome (TPDS1). Also called: TUMOR PREDISPOSITION SYNDROME 1; COMMON Syndrome; BAP1 tumor predisposition syndrome; Tumor susceptibility linked to germline BAP1 mutations. Identifiers: Orphanet 289539, MedGen C3280492, MONDO:0013692, OMIM 614327.

Allele frequency attached by ClinVar (database versions not stated): TOPMed 0.00001.
gnomAD v4.1: 5 of 1,612,232 alleles (0.00031%); highest among the groups gnomAD compares: African/African-American, 0.0067%; no homozygotes.

Submissions (3):

Labcorp Genetics (formerly Invitae), Labcorp
Classification: Likely benign for BAP1-related tumor predisposition syndrome. Last evaluated: 2025-09-28. Review status: criteria provided, single submitter. Criteria: Invitae Variant Classification Sherloc (09022015). Collection method: clinical testing. Allele origin: germline.

Color Diagnostics, LLC DBA Color Health
Classification: Likely benign for Hereditary cancer-predisposing syndrome. Last evaluated: 2018-11-01. Review status: criteria provided, single submitter. Criteria: ACMG Guidelines, 2015. Collection method: clinical testing. Allele origin: germline.

GeneDx
Classification: Likely benign. Last evaluated: 2016-10-31. Review status: criteria provided, single submitter. Criteria: GeneDx Variant Classification (06012015). Collection method: clinical testing. Allele origin: germline. Affected: yes.
Comment: This variant is considered likely benign or benign based on one or more of the following criteria: it is a conservative change, it occurs at a poorly conserved position in the protein, it is predicted to be benign by multiple in silico algorithms, and/or has population frequency not consistent with disease.